The following is an entry in ClinVar:

ClinVar aggregate classification (germline): Pathogenic (1 of 4 stars; one submission).

Conditions:
Rhabdoid tumor predisposition syndrome 2 (RTPS2). Identifiers: Orphanet 231108, Orphanet 69077, MedGen C2750074, MONDO:0013224, OMIM 613325.

Submission:

Labcorp Genetics (formerly Invitae), Labcorp
Classification: Pathogenic for Rhabdoid tumor predisposition syndrome 2. Last evaluated: 2024-11-11. Review status: criteria provided, single submitter. Criteria: Invitae Variant Classification Sherloc (09022015). Collection method: clinical testing. Allele origin: germline.
Comment: This sequence change creates a premature translational stop signal (p.Phe927Serfs*23) in the SMARCA4 gene. It is expected to result in an absent or disrupted protein product. Loss-of-function variants in SMARCA4 are known to be pathogenic (PMID: 24658001, 24658002). This variant is not present in population databases (gnomAD no frequency). This variant has not been reported in the literature in individuals affected with SMARCA4-related conditions. ClinVar contains an entry for this variant (Variation ID: 1360114). For these reasons, this variant has been classified as Pathogenic.

Literature cited by the submitters: PubMed 24658001; PubMed 24658002.

NM_003072.5(SMARCA4):c.2780del (p.Phe927fs)

Gene: SMARCA4 (SWI/SNF related BAF chromatin remodeling complex subunit ATPase 4; plus strand). Cytogenetic location: 19p13.2.
Variant type: Deletion.
Coding change: c.2780del on transcript NM_003072.5 (MANE Select); coding-DNA position 2780, one base deleted (T; older notation c.2780delT).
Protein change: p.Phe927fs; shifts the reading frame from phenylalanine 927.
Molecular consequence: frameshift variant. On other transcripts: non-coding transcript variant (1).
Genome position (GRCh38, 1-based): chr19:11,021,888, T deleted; the last of 2 consecutive T bases (chr19:11,021,887-11,021,888); deleting either gives the same sequence. VCF-style (leftmost placement, unchanged base first): chr19-11021886-CT-C. GRCh37 (hg19) VCF-style: chr19-11132562-CT-C.
Other names: c.2780del, p.Phe927fs (NM_001128844.3, NM_001128845.2, NM_001128846.2 and 5 more transcripts); short protein forms F927fs.
Identifiers: ClinVar variation 1360114 (VCV001360114.6), dbSNP rs2146421085, ClinGen allele CA2573155648.